The following is an entry in ClinVar:

NM_005263.5(GFI1):c.130G>A (p.Ala44Thr)

Gene: GFI1 (growth factor independent 1 transcriptional repressor; minus strand). Cytogenetic location: 1p22.1.
Variant type: single nucleotide variant.
Coding change: c.130G>A on transcript NM_005263.5 (MANE Select); coding-DNA position 130, G replaced by A.
Protein change: p.Ala44Thr; replaces alanine 44 with threonine.
Molecular consequence: missense variant.
Genome position (GRCh38, 1-based): chr1:92,483,032, C>T on the plus strand (G>A on the coding strand, the complement: GFI1 is on the minus strand). VCF-style: chr1-92483032-C-T. GRCh37 (hg19) VCF-style: chr1-92948589-C-T.
Other names: c.130G>A, p.Ala44Thr (NM_001127215.3, NM_001127216.3); short protein forms A44T.
Identifiers: ClinVar variation 3676746 (VCV003676746.3).

ClinVar aggregate classification (germline): Uncertain significance. Review status: criteria provided, multiple submitters, no conflicts (2 of 4 stars). 2 submissions from 2 submitters: Uncertain significance (2). Last evaluated 2025-02-01.

Conditions:
Neutropenia, severe congenital, 2, autosomal dominant. Identifiers: Orphanet 486, MedGen C2751288, MONDO:0013139, OMIM 613107.

Submissions (2):

Ambry Genetics
Classification: Uncertain significance. Last evaluated: 2025-02-01. Review status: criteria provided, single submitter. Criteria: Ambry Variant Classification Scheme 2023. Collection method: clinical testing. Allele origin: germline.
Comment: The p.A44T variant (also known as c.130G>A), located in coding exon 2 of the GFI1 gene, results from a G to A substitution at nucleotide position 130. The alanine at codon 44 is replaced by threonine, an amino acid with similar properties. This amino acid position is conserved. In addition, this alteration is predicted to be tolerated by in silico analysis. Based on the available evidence, the clinical significance of this variant remains unclear.

Labcorp Genetics (formerly Invitae), Labcorp
Classification: Uncertain significance for Neutropenia, severe congenital, 2, autosomal dominant. Last evaluated: 2024-12-12. Review status: criteria provided, single submitter. Criteria: Invitae Variant Classification Sherloc (09022015). Collection method: clinical testing. Allele origin: germline.
Comment: This sequence change replaces alanine, which is neutral and non-polar, with threonine, which is neutral and polar, at codon 44 of the GFI1 protein (p.Ala44Thr). This variant is not present in population databases (gnomAD no frequency). This variant has not been reported in the literature in individuals affected with GFI1-related conditions. Invitae Evidence Modeling of protein sequence and biophysical properties (such as structural, functional, and spatial information, amino acid conservation, physicochemical variation, residue mobility, and thermodynamic stability) indicates that this missense variant is not expected to disrupt GFI1 protein function with a negative predictive value of 80%. In summary, the available evidence is currently insufficient to determine the role of this variant in disease. Therefore, it has been classified as a Variant of Uncertain Significance.